The following is an entry in ClinVar:

NM_001457.4(FLNB):c.1611-4G>A

Gene: FLNB (filamin B; plus strand). Cytogenetic location: 3p14.3.
Variant type: single nucleotide variant.
Coding change: c.1611-4G>A on transcript NM_001457.4 (MANE Select); 4 bases into the intron before coding-DNA position 1611, G replaced by A.
Molecular consequence: intron variant.
Genome position (GRCh38, 1-based): chr3:58,105,076, G>A. VCF-style: chr3-58105076-G-A. GRCh37 (hg19) VCF-style: chr3-58090803-G-A.
Other names: c.1611-4G>A (NM_001164317.2, NM_001164318.2, NM_001164319.2).
Identifiers: ClinVar variation 258099 (VCV000258099.31), dbSNP rs73074072, ClinGen allele CA2467883.

ClinVar aggregate classification (germline): Benign. Review status: criteria provided, multiple submitters, no conflicts (2 of 4 stars). 8 submissions from 8 submitters: Benign (8). Last evaluated 2026-02-04.

Conditions:
Connective tissue disorder. Also called: Connective tissue disease. Identifiers: MedGen C0009782, MONDO:0003900.
FLNB-Related Spectrum Disorders.

Allele frequency attached by ClinVar (database versions not stated): 1000 Genomes Project 0.01957; 1000 Genomes Project 30x 0.01968; TOPMed 0.03879; gnomAD 0.04131 and 0.04164; ExAC 0.04375; gnomAD exomes 0.04454 and 0.06221; ESP Exome Variant Server 0.04736.
gnomAD v4.1: 96,780 of 1,613,978 alleles (6%); highest among the groups gnomAD compares: Non-Finnish European, 7%; 3,403 homozygotes.

Submissions (21):

Labcorp Genetics (formerly Invitae), Labcorp
Classification: Benign. Last evaluated: 2026-02-04. Review status: criteria provided, single submitter. Criteria: Invitae Variant Classification Sherloc (09022015). Collection method: clinical testing. Allele origin: germline.

ARUP Laboratories, Molecular Genetics and Genomics, ARUP Laboratories
Classification: Benign. Last evaluated: 2025-05-20. Review status: criteria provided, single submitter. Criteria: ARUP Molecular Germline Variant Investigation Process 2024. Collection method: clinical testing. Allele origin: germline.

Blueprint Genetics
Classification: Benign. Last evaluated: 2024-11-26. Review status: criteria provided, single submitter. Criteria: ACMG Guidelines, 2015. Collection method: clinical testing. Allele origin: germline.

Genome Diagnostics Laboratory, The Hospital for Sick Children
Classification: Benign for Connective tissue disorder. Last evaluated: 2022-06-03. Review status: criteria provided, single submitter. Criteria: ACMG Guidelines, 2015. Collection method: clinical testing. Allele origin: germline.

Illumina Laboratory Services, Illumina
Classification: Benign for FLNB-Related Spectrum Disorders. Last evaluated: 2018-01-13. Review status: criteria provided, single submitter. Criteria: ICSL Variant Classification Criteria 13 December 2019. Collection method: clinical testing. Allele origin: germline.
Comment: This variant was observed in the ICSL laboratory as part of a predisposition screen in an ostensibly healthy population. It had not been previously curated by ICSL or reported in the Human Gene Mutation Database (HGMD: prior to June 1st, 2018), and was therefore a candidate for classification through an automated scoring system. Utilizing variant allele frequency, disease prevalence and penetrance estimates, and inheritance mode, an automated score was calculated to assess if this variant is too frequent to cause the disease. Based on the score and internal cut-off values, a variant classified as benign is not then subjected to further curation. The score for this variant resulted in a classification of benign for this disease.

GeneDx
Classification: Benign. Last evaluated: 2016-06-29. Review status: criteria provided, single submitter. Criteria: GeneDx Variant Classification (06012015). Collection method: clinical testing. Allele origin: germline. Affected: yes.
Comment: This variant is considered likely benign or benign based on one or more of the following criteria: it is a conservative change, it occurs at a poorly conserved position in the protein, it is predicted to be benign by multiple in silico algorithms, and/or has population frequency not consistent with disease.

Breakthrough Genomics
Classification: Benign. Review status: criteria provided, single submitter. Criteria: ACMG Guidelines, 2015. Collection method: not provided. Allele origin: germline. Inheritance: Autosomal recessive inheritance. Affected: yes.

PreventionGenetics, part of Exact Sciences
Classification: Benign. Review status: criteria provided, single submitter. Criteria: ACMG Guidelines, 2015. Collection method: clinical testing. Allele origin: germline.

Dr. Peter K. Rogan Lab, Western University
No classification provided (evidence only). Condition: Acute myeloid leukemia. Review status: no classification provided. Collection method: in vitro. Allele origin: not applicable. Functional consequence: retained intron. Not counted in ClinVar's aggregate classification.

Dr. Peter K. Rogan Lab, Western University
No classification provided (evidence only). Condition: Acute myeloid leukemia. Review status: no classification provided. Collection method: in vitro. Allele origin: not applicable. Functional consequence: retained intron. Not counted in ClinVar's aggregate classification.

Dr. Peter K. Rogan Lab, Western University
No classification provided (evidence only). Condition: Acute myeloid leukemia. Review status: no classification provided. Collection method: in vitro. Allele origin: not applicable. Functional consequence: retained intron. Not counted in ClinVar's aggregate classification.

Dr. Peter K. Rogan Lab, Western University
No classification provided (evidence only). Condition: Acute myeloid leukemia. Review status: no classification provided. Collection method: in vitro. Allele origin: not applicable. Functional consequence: retained intron. Not counted in ClinVar's aggregate classification.

Dr. Peter K. Rogan Lab, Western University
No classification provided (evidence only). Condition: Acute myeloid leukemia. Review status: no classification provided. Collection method: in vitro. Allele origin: not applicable. Functional consequence: retained intron. Not counted in ClinVar's aggregate classification.

Dr. Peter K. Rogan Lab, Western University
No classification provided (evidence only). Condition: Acute myeloid leukemia. Review status: no classification provided. Collection method: in vitro. Allele origin: not applicable. Functional consequence: retained intron. Not counted in ClinVar's aggregate classification.

Dr. Peter K. Rogan Lab, Western University
No classification provided (evidence only). Condition: Acute myeloid leukemia. Review status: no classification provided. Collection method: in vitro. Allele origin: not applicable. Functional consequence: retained intron. Not counted in ClinVar's aggregate classification.

Dr. Peter K. Rogan Lab, Western University
No classification provided (evidence only). Condition: Uterine corpus endometrial carcinoma. Review status: no classification provided. Collection method: in vitro. Allele origin: not applicable. Functional consequence: retained intron. Not counted in ClinVar's aggregate classification.

Dr. Peter K. Rogan Lab, Western University
No classification provided (evidence only). Condition: Uterine corpus endometrial carcinoma. Review status: no classification provided. Collection method: in vitro. Allele origin: not applicable. Functional consequence: retained intron. Not counted in ClinVar's aggregate classification.

Dr. Peter K. Rogan Lab, Western University
No classification provided (evidence only). Condition: Nonpapillary renal cell carcinoma. Review status: no classification provided. Collection method: in vitro. Allele origin: not applicable. Functional consequence: retained intron. Not counted in ClinVar's aggregate classification.

Dr. Peter K. Rogan Lab, Western University
No classification provided (evidence only). Condition: Nonpapillary renal cell carcinoma. Review status: no classification provided. Collection method: in vitro. Allele origin: not applicable. Functional consequence: retained intron. Not counted in ClinVar's aggregate classification.

Dr. Peter K. Rogan Lab, Western University
No classification provided (evidence only). Condition: Thymoma. Review status: no classification provided. Collection method: in vitro. Allele origin: not applicable. Functional consequence: retained intron. Not counted in ClinVar's aggregate classification.

Dr. Peter K. Rogan Lab, Western University
No classification provided (evidence only). Condition: Thymoma. Review status: no classification provided. Collection method: in vitro. Allele origin: not applicable. Functional consequence: retained intron. Not counted in ClinVar's aggregate classification.